The following is an entry in ClinVar:

NM_212482.4(FN1):c.4729+113C>T

Gene: FN1 (fibronectin 1; minus strand). Cytogenetic location: 2q35.
Variant type: single nucleotide variant.
Coding change: c.4729+113C>T on transcript NM_212482.4 (MANE Select); 113 bases into the intron after coding-DNA position 4729, C replaced by T.
Molecular consequence: intron variant.
Genome position (GRCh38, 1-based): chr2:215,384,747, G>A on the plus strand (C>T on the coding strand, the complement: FN1 is on the minus strand). VCF-style: chr2-215384747-G-A. GRCh37 (hg19) VCF-style: chr2-216249470-G-A.
Other names: c.4456+113C>T (NM_212474.3, NM_001306132.2, NM_001365523.2 and 7 more transcripts); c.4729+113C>T (NM_001306130.2, NM_001365522.2, NM_001365519.2 and 3 more transcripts).
Identifiers: ClinVar variation 1707349 (VCV001707349.2), dbSNP rs148961083, ClinGen allele CA64857624.
Genomic context (GRCh38, chr2:215,384,747, plus strand): 5'-TTTTAGAACAAATTATATCATCTATATCTTACGTATTTTCTTGGAAAAAACAAGGGCTCC[G>A]TTGAATGGACTTGCCAAAGTTTCTTTAATTCTTTGTTCACTGTTGGGCTTTCAGGTTATC-3'

ClinVar aggregate classification (germline): Likely benign (1 of 4 stars; one submission).

Allele frequency attached by ClinVar (database versions not stated): gnomAD exomes 0.00045; gnomAD 0.00415; TOPMed 0.00451; 1000 Genomes Project 0.00459; 1000 Genomes Project 30x 0.00484.
gnomAD v4.1: 939 of 791,430 alleles (0.12%); highest among the groups gnomAD compares: African/African-American, 1.4%; 8 homozygotes.

Submission:

GeneDx
Classification: Likely benign. Last evaluated: 2021-05-03. Review status: criteria provided, single submitter. Criteria: GeneDx Variant Classification Process June 2021. Collection method: clinical testing. Allele origin: germline. Affected: yes.
Comment: See Variant Classification Assertion Criteria.